The following is an entry in ClinVar:

NM_001388492.1(HTT):c.2414C>T (p.Ala805Val)

Gene: HTT (huntingtin; plus strand). Cytogenetic location: 4p16.3.
Variant type: single nucleotide variant.
Coding change: c.2414C>T on transcript NM_001388492.1 (MANE Select); coding-DNA position 2414, C replaced by T.
Protein change: p.Ala805Val; replaces alanine 805 with valine.
Molecular consequence: missense variant.
Genome position (GRCh38, 1-based): chr4:3,132,832, C>T. VCF-style: chr4-3132832-C-T. GRCh37 (hg19) VCF-style: chr4-3134559-C-T.
Other names: c.2420C>T, p.Ala807Val (NM_002111.8); short protein forms A805V, A807V.
Identifiers: ClinVar variation 3361821 (VCV003361821.2).

ClinVar aggregate classification (germline): Conflicting classifications of pathogenicity. Review status: criteria provided, conflicting classifications (1 of 4 stars). 2 submissions from 2 submitters: Uncertain significance (1); Likely benign (1). Last evaluated 2024-10-02.

gnomAD v4.1: 34 of 1,613,890 alleles (0.0021%); highest among the groups gnomAD compares: East Asian, 0.027%; no homozygotes.

Submissions (2):

Blueprint Genetics
Classification: Likely benign. Last evaluated: 2024-10-02. Review status: criteria provided, single submitter. Criteria: ACMG Guidelines, 2015. Collection method: clinical testing. Allele origin: germline.

GeneDx
Classification: Uncertain significance. Last evaluated: 2023-08-02. Review status: criteria provided, single submitter. Criteria: GeneDx Variant Classification Process June 2021. Collection method: clinical testing. Allele origin: germline. Affected: yes.
Comment: In silico analysis supports that this missense variant does not alter protein structure/function; Has not been previously published as pathogenic or benign to our knowledge